The following is an entry in ClinVar:

ClinVar aggregate classification (germline): Uncertain significance. Review status: criteria provided, multiple submitters, no conflicts (2 of 4 stars). 3 submissions from 3 submitters: Uncertain significance (3). Last evaluated 2024-11-21.

Conditions:
Inborn genetic diseases. Identifiers: MedGen C0950123, MeSH D030342.

Allele frequency attached by ClinVar (database versions not stated): TOPMed 0.00005; gnomAD 0.00007; gnomAD exomes 0.00008; ExAC 0.00010.

Submissions (3):

GeneDx
Classification: Uncertain significance. Last evaluated: 2024-11-21. Review status: criteria provided, single submitter. Criteria: GeneDx Variant Classification Process June 2021. Collection method: clinical testing. Allele origin: germline. Affected: yes.
Comment: In silico analysis indicates that this missense variant does not alter protein structure/function; Has not been previously published as pathogenic or benign to our knowledge

Ambry Genetics
Classification: Uncertain significance for Inborn genetic diseases. Last evaluated: 2024-02-17. Review status: criteria provided, single submitter. Criteria: Ambry Variant Classification Scheme 2023. Collection method: clinical testing. Allele origin: germline.

Labcorp Genetics (formerly Invitae), Labcorp
Classification: Uncertain significance. Last evaluated: 2022-02-05. Review status: criteria provided, single submitter. Criteria: Invitae Variant Classification Sherloc (09022015). Collection method: clinical testing. Allele origin: germline.
Comment: This sequence change replaces arginine, which is basic and polar, with glutamine, which is neutral and polar, at codon 472 of the CCDC8 protein (p.Arg472Gln). This variant is present in population databases (rs201568093, gnomAD 0.02%). This variant has not been reported in the literature in individuals affected with CCDC8-related conditions. Algorithms developed to predict the effect of missense changes on protein structure and function output the following: SIFT: "Tolerated"; PolyPhen-2: "Benign"; Align-GVGD: "Class C0". The glutamine amino acid residue is found in multiple mammalian species, which suggests that this missense change does not adversely affect protein function. In summary, the available evidence is currently insufficient to determine the role of this variant in disease. Therefore, it has been classified as a Variant of Uncertain Significance.

NM_032040.5(CCDC8):c.1415G>A (p.Arg472Gln)

Gene: CCDC8 (coiled-coil domain containing 8; minus strand). Cytogenetic location: 19q13.32.
Variant type: single nucleotide variant.
Coding change: c.1415G>A on transcript NM_032040.5 (MANE Select); coding-DNA position 1415, G replaced by A.
Protein change: p.Arg472Gln; replaces arginine 472 with glutamine.
Molecular consequence: missense variant.
Genome position (GRCh38, 1-based): chr19:46,411,396, C>T on the plus strand (G>A on the coding strand, the complement: CCDC8 is on the minus strand). VCF-style: chr19-46411396-C-T. GRCh37 (hg19) VCF-style: chr19-46914653-C-T.
Other names: c.1415G>A (NM_032040.3, NM_032040.4); short protein forms R472Q.
Identifiers: ClinVar variation 1395855 (VCV001395855.8), dbSNP rs201568093, ClinGen allele CA9528492.